The following is an entry in ClinVar:

NM_000256.3(MYBPC3):c.3383A>C (p.Glu1128Ala)

Gene: MYBPC3 (myosin binding protein C3; minus strand). Cytogenetic location: 11p11.2.
Variant type: single nucleotide variant.
Coding change: c.3383A>C on transcript NM_000256.3 (MANE Select); coding-DNA position 3383, A replaced by C.
Protein change: p.Glu1128Ala; replaces glutamic acid 1128 with alanine.
Molecular consequence: missense variant.
Genome position (GRCh38, 1-based): chr11:47,332,921, T>G on the plus strand (A>C on the coding strand, the complement: MYBPC3 is on the minus strand). VCF-style: chr11-47332921-T-G. GRCh37 (hg19) VCF-style: chr11-47354472-T-G.
Other names: short protein forms E1128A.
Identifiers: ClinVar variation 1172385 (VCV001172385.10), dbSNP rs765817791, ClinGen allele CA079345.

ClinVar aggregate classification (germline): Uncertain significance. Review status: criteria provided, multiple submitters, no conflicts (2 of 4 stars). 2 submissions from 2 submitters: Uncertain significance (2). Last evaluated 2021-04-21.

Conditions:
Cardiomyopathy (CMYO). Also called: Cardiomyopathies. Identifiers: Orphanet 167848, MedGen C0878544, MONDO:0004994, HP:0001638. Inheritance: Various modes of inheritance.
Hypertrophic cardiomyopathy. Also called: HYPERTROPHIC MYOCARDIOPATHY. Identifiers: Orphanet 217569, MedGen C0007194, MeSH D002312, MONDO:0005045, HP:0001639.

Allele frequency attached by ClinVar (database versions not stated): gnomAD exomes below 0.00001 and 0.00002; ExAC 0.00001; TOPMed 0.00001.
gnomAD v4.1: 26 of 1,610,426 alleles (0.0016%); highest among the groups gnomAD compares: Non-Finnish European, 0.0021%; no homozygotes.

Submissions (2):

Labcorp Genetics (formerly Invitae), Labcorp
Classification: Uncertain significance for Hypertrophic cardiomyopathy. Last evaluated: 2021-04-21. Review status: criteria provided, single submitter. Criteria: Invitae Variant Classification Sherloc (09022015). Collection method: clinical testing. Allele origin: germline.
Comment: In summary, the available evidence is currently insufficient to determine the role of this variant in disease. Therefore, it has been classified as a Variant of Uncertain Significance. Algorithms developed to predict the effect of missense changes on protein structure and function (SIFT, PolyPhen-2, Align-GVGD) all suggest that this variant is likely to be disruptive, but these predictions have not been confirmed by published functional studies and their clinical significance is uncertain. This variant has not been reported in the literature in individuals with MYBPC3-related conditions. This variant is present in population databases (rs765817791, ExAC 0.002%). This sequence change replaces glutamic acid with alanine at codon 1128 of the MYBPC3 protein (p.Glu1128Ala). The glutamic acid residue is moderately conserved and there is a moderate physicochemical difference between glutamic acid and alanine.

Color Diagnostics, LLC DBA Color Health
Classification: Uncertain significance for Cardiomyopathy. Last evaluated: 2020-09-28. Review status: criteria provided, single submitter. Criteria: ACMG Guidelines, 2015. Collection method: clinical testing. Allele origin: germline.
Comment: This missense variant replaces glutamic acid with alanine at codon 1128 of the MYBPC3 protein. Computational prediction suggests that this variant may not impact protein structure and function (internally defined REVEL score threshold <= 0.5, PMID: 27666373). To our knowledge, functional studies have not been reported for this variant. This variant has not been reported in individuals affected with cardiovascular disorders in the literature. This variant has been identified in 1/242076 chromosomes in the general population by the Genome Aggregation Database (gnomAD). The available evidence is insufficient to determine the role of this variant in disease conclusively. Therefore, this variant is classified as a Variant of Uncertain Significance.